The following is an entry in ClinVar:

NM_032271.3(TRAF7):c.1044C>T (p.Ser348=)

Gene: TRAF7 (TNF receptor associated factor 7; plus strand). Cytogenetic location: 16p13.3.
Variant type: single nucleotide variant.
Coding change: c.1044C>T on transcript NM_032271.3 (MANE Select); coding-DNA position 1044, C replaced by T.
Protein change: p.Ser348=; no amino-acid change (serine 348 retained).
Molecular consequence: synonymous variant.
Genome position (GRCh38, 1-based): chr16:2,173,512, C>T. VCF-style: chr16-2173512-C-T. GRCh37 (hg19) VCF-style: chr16-2223513-C-T.
Identifiers: ClinVar variation 4980797 (VCV004980797.1).

ClinVar aggregate classification (germline): Likely benign (1 of 4 stars; one submission).

Conditions:
TRAF7-related disorder. Also called: TRAF7-related condition.

gnomAD v4.1: 21 of 1,613,300 alleles (0.0013%); highest among the groups gnomAD compares: African/African-American, 0.0027%; no homozygotes.

Submission:

PreventionGenetics, part of Exact Sciences
Classification: Likely benign for TRAF7-related condition. Last evaluated: 2026-06-26. Review status: criteria provided, single submitter. Criteria: ACMG Guidelines, 2015. Collection method: clinical testing. Allele origin: germline.
Comment: This variant is classified as likely benign based on ACMG/AMP sequence variant interpretation guidelines (Richards et al. 2015 PMID: 25741868, with internal and published modifications).